The following is an entry in ClinVar:

NM_001367624.2(ZNF469):c.2869G>C (p.Asp957His)

Gene: ZNF469 (zinc finger protein 469; plus strand). Cytogenetic location: 16q24.2.
Variant type: single nucleotide variant.
Coding change: c.2869G>C on transcript NM_001367624.2 (MANE Select); coding-DNA position 2869, G replaced by C.
Protein change: p.Asp957His; replaces aspartic acid 957 with histidine.
Molecular consequence: missense variant.
Genome position (GRCh38, 1-based): chr16:88,430,339, G>C. VCF-style: chr16-88430339-G-C. GRCh37 (hg19) VCF-style: chr16-88496747-G-C.
Other names: short protein forms D957H.
Identifiers: ClinVar variation 2121485 (VCV002121485.4), dbSNP rs2507580594, ClinGen allele CA397075939.

ClinVar aggregate classification (germline): Uncertain significance (1 of 4 stars; one submission).

Submission:

Labcorp Genetics (formerly Invitae), Labcorp
Classification: Uncertain significance. Last evaluated: 2024-11-11. Review status: criteria provided, single submitter. Criteria: Invitae Variant Classification Sherloc (09022015). Collection method: clinical testing. Allele origin: germline.
Comment: This sequence change replaces aspartic acid, which is acidic and polar, with histidine, which is basic and polar, at codon 957 of the ZNF469 protein (p.Asp957His). This variant is not present in population databases (gnomAD no frequency). This variant has not been reported in the literature in individuals affected with ZNF469-related conditions. ClinVar contains an entry for this variant (Variation ID: 2121485). An algorithm developed to predict the effect of missense changes on protein structure and function (PolyPhen-2) suggests that this variant is likely to be tolerated. In summary, the available evidence is currently insufficient to determine the role of this variant in disease. Therefore, it has been classified as a Variant of Uncertain Significance.